The following is an entry in ClinVar:

NM_018896.5(CACNA1G):c.6558G>T (p.Lys2186Asn)

Gene: CACNA1G (calcium voltage-gated channel subunit alpha1 G; plus strand). Cytogenetic location: 17q21.33.
Variant type: single nucleotide variant.
Coding change: c.6558G>T on transcript NM_018896.5 (MANE Select); coding-DNA position 6558, G replaced by T.
Protein change: p.Lys2186Asn; replaces lysine 2186 with asparagine.
Molecular consequence: missense variant. On other transcripts: non-coding transcript variant (5), intron variant (3).
Genome position (GRCh38, 1-based): chr17:50,626,175, G>T. VCF-style: chr17-50626175-G-T. GRCh37 (hg19) VCF-style: chr17-48703536-G-T.
Other names: c.6369G>T, p.Lys2123Asn (NM_001256324.2); c.6300G>T, p.Lys2100Asn (NM_001256325.2); c.6288G>T, p.Lys2096Asn (NM_001256326.2); c.6258G>T, p.Lys2086Asn (NM_001256327.2); c.6204G>T, p.Lys2068Asn (NM_001256328.2); c.6177G>T, p.Lys2059Asn (NM_001256329.2, NM_198387.3); c.6144G>T, p.Lys2048Asn (NM_001256330.2); c.6123G>T, p.Lys2041Asn (NM_001256331.2); and 18 more; short protein forms K2036N, K2041N, K2048N, K2052N, K2055N, K2057N, K2059N, K2066N.
Identifiers: ClinVar variation 4800909 (VCV004800909.1).

ClinVar aggregate classification (germline): Uncertain significance (1 of 4 stars; one submission).

gnomAD v4.1: 1 of 1,613,910 alleles (0.000062%); highest among the groups gnomAD compares: Non-Finnish European, 0.000085%; no homozygotes.

Submission:

Labcorp Genetics (formerly Invitae), Labcorp
Classification: Uncertain significance. Last evaluated: 2025-10-02. Review status: criteria provided, single submitter. Criteria: Invitae Variant Classification Sherloc (09022015). Collection method: clinical testing. Allele origin: germline.
Comment: This sequence change replaces lysine, which is basic and polar, with asparagine, which is neutral and polar, at codon 2186 of the CACNA1G protein (p.Lys2186Asn). This variant is not present in population databases (gnomAD no frequency). This variant has not been reported in the literature in individuals affected with CACNA1G-related conditions. Invitae Evidence Modeling of protein sequence and biophysical properties (such as structural, functional, and spatial information, amino acid conservation, physicochemical variation, residue mobility, and thermodynamic stability) indicates that this missense variant is not expected to disrupt CACNA1G protein function with a negative predictive value of 95%. In summary, the available evidence is currently insufficient to determine the role of this variant in disease. Therefore, it has been classified as a Variant of Uncertain Significance.